The following is an entry in ClinVar:

NM_006767.4(LZTR1):c.25_26delinsTT (p.Gly9Leu)

Genes: LZTR1 (leucine zipper like post translational regulator 1; plus strand), LOC130067016 (ATAC-STARR-seq lymphoblastoid silent region 13504; plus strand). Cytogenetic location: 22q11.21.
Variant type: Indel.
Coding change: c.25_26delinsTT on transcript NM_006767.4 (MANE Select); coding-DNA positions 25 to 26, GG replaced by TT.
Protein change: p.Gly9Leu; replaces glycine 9 with leucine.
Molecular consequence: missense variant.
Genome position (GRCh38, 1-based): chr22:20,982,396-20,982,397, GG replaced by TT. VCF-style: chr22-20982396-GG-TT. GRCh37 (hg19) VCF-style: chr22-21336685-GG-TT.
Other names: short protein forms G9L.
Identifiers: ClinVar variation 1792241 (VCV001792241.5), dbSNP rs2518607614, ClinGen allele CA2580099155.

ClinVar aggregate classification (germline): Uncertain significance. Review status: criteria provided, multiple submitters, no conflicts (2 of 4 stars). 2 submissions from 2 submitters: Uncertain significance (2). Last evaluated 2025-11-25.

Conditions:
Hereditary cancer-predisposing syndrome. Also called: Hereditary Cancer Syndrome; Hereditary neoplastic syndrome; Tumor predisposition; Neoplastic Syndromes, Hereditary. Identifiers: Orphanet 140162, MedGen C0027672, MeSH D009386, MONDO:0015356.
Cardiovascular phenotype. Identifiers: MedGen CN230736.

Submissions (2):

Labcorp Genetics (formerly Invitae), Labcorp
Classification: Uncertain significance. Last evaluated: 2025-11-25. Review status: criteria provided, single submitter. Criteria: Invitae Variant Classification Sherloc (09022015). Collection method: clinical testing. Allele origin: germline.
Comment: This sequence change replaces glycine, which is neutral and non-polar, with leucine, which is neutral and non-polar, at codon 9 of the LZTR1 protein (p.Gly9Leu). Information on the frequency of this variant in the gnomAD database is not available, as this variant may be reported differently in the database. This variant has not been reported in the literature in individuals affected with LZTR1-related conditions. ClinVar contains an entry for this variant (Variation ID: 1792241). An algorithm developed to predict the effect of missense changes on protein structure and function (PolyPhen-2) suggests that this variant is likely to be disruptive. In summary, the available evidence is currently insufficient to determine the role of this variant in disease. Therefore, it has been classified as a Variant of Uncertain Significance.

Ambry Genetics
Classification: Uncertain significance for Cardiovascular phenotype; Hereditary cancer-predisposing syndrome. Last evaluated: 2025-03-03. Review status: criteria provided, single submitter. Criteria: Ambry Variant Classification Scheme 2023. Collection method: clinical testing. Allele origin: germline.
Comment: The c.25_26delGGinsTT variant (also known as p.G9L), located in coding exon 1 of the LZTR1 gene, results from an in-frame deletion of GG and insertion of TT at nucleotide positions 25 to 26. This results in the substitution of the glycine residue for a leucine residue at codon 9, an amino acid with dissimilar properties. This amino acid position is not well conserved in available vertebrate species. In addition, this alteration is predicted to be neutral by in silico analysis (Choi Y et al. PLoS ONE. 2012; 7(10):e46688). Based on the available evidence, the clinical significance of this variant remains unclear.